The following is an entry in ClinVar:

NM_001625.4(AK2):c.545C>T (p.Ala182Val)

Gene: AK2 (adenylate kinase 2; minus strand). Cytogenetic location: 1p35.1.
Variant type: single nucleotide variant.
Coding change: c.545C>T on transcript NM_001625.4 (MANE Select); coding-DNA position 545, C replaced by T.
Protein change: p.Ala182Val; replaces alanine 182 with valine.
Molecular consequence: missense variant. On other transcripts: 3 prime UTR variant (1), non-coding transcript variant (1).
Genome position (GRCh38, 1-based): chr1:33,013,356, G>A on the plus strand (C>T on the coding strand, the complement: AK2 is on the minus strand). VCF-style: chr1-33013356-G-A. GRCh37 (hg19) VCF-style: chr1-33478957-G-A.
Other names: c.521C>T, p.Ala174Val (NM_001199199.3); c.401C>T, p.Ala134Val (NM_001319139.3, NM_001319140.2); c.545C>T, p.Ala182Val (NM_001319141.3, NM_013411.5); c.419C>T, p.Ala140Val (NM_001319142.3); c.*48C>T (NM_001319143.2); short protein forms A182V, A140V, A174V, A134V.
Identifiers: ClinVar variation 1351210 (VCV001351210.6), dbSNP rs559947967, ClinGen allele CA20307259.

ClinVar aggregate classification (germline): Uncertain significance (1 of 4 stars; one submission).

Conditions:
Reticular dysgenesis. Also called: ALEUKOCYTOSIS; CONGENITAL ALEUKIA; HEMATOPOIETIC HYPOPLASIA, GENERALIZED; RETICULAR DYSGENESIA; SEVERE COMBINED IMMUNODEFICIENCY WITH LEUKOPENIA; DeVaal disease. Identifiers: Orphanet 33355, MedGen C0272167, MONDO:0009973, OMIM 267500.

Allele frequency attached by ClinVar (database versions not stated): 1000 Genomes Project 0.00020; 1000 Genomes Project 30x 0.00031.

Submission:

Labcorp Genetics (formerly Invitae), Labcorp
Classification: Uncertain significance for Reticular dysgenesis. Last evaluated: 2021-11-13. Review status: criteria provided, single submitter. Criteria: Invitae Variant Classification Sherloc (09022015). Collection method: clinical testing. Allele origin: germline.
Comment: In summary, the available evidence is currently insufficient to determine the role of this variant in disease. Therefore, it has been classified as a Variant of Uncertain Significance. Algorithms developed to predict the effect of sequence changes on RNA splicing suggest that this variant may create or strengthen a splice site. Algorithms developed to predict the effect of missense changes on protein structure and function are either unavailable or do not agree on the potential impact of this missense change (SIFT: "Tolerated"; PolyPhen-2: "Possibly Damaging"; Align-GVGD: "Class C0"). This variant has not been reported in the literature in individuals affected with AK2-related conditions. This variant is not present in population databases (gnomAD no frequency). This sequence change replaces alanine, which is neutral and non-polar, with valine, which is neutral and non-polar, at codon 182 of the AK2 protein (p.Ala182Val).